The following is an entry in ClinVar:

NM_006063.3(KLHL41):c.209A>T (p.Lys70Ile)

Gene: KLHL41 (kelch like family member 41; plus strand). Cytogenetic location: 2q31.1.
Variant type: single nucleotide variant.
Coding change: c.209A>T on transcript NM_006063.3 (MANE Select); coding-DNA position 209, A replaced by T.
Protein change: p.Lys70Ile; replaces lysine 70 with isoleucine.
Molecular consequence: missense variant.
Genome position (GRCh38, 1-based): chr2:169,509,987, A>T. VCF-style: chr2-169509987-A-T. GRCh37 (hg19) VCF-style: chr2-170366497-A-T.
Other names: c.209A>T (NM_006063.2); short protein forms K70I.
Identifiers: ClinVar variation 1431496 (VCV001431496.9), dbSNP rs751688698, ClinGen allele CA1956467.

ClinVar aggregate classification (germline): Uncertain significance. Review status: criteria provided, multiple submitters, no conflicts (2 of 4 stars). 2 submissions from 2 submitters: Uncertain significance (2). Last evaluated 2024-12-02.

Conditions:
Inborn genetic diseases. Identifiers: MedGen C0950123, MeSH D030342.
Nemaline myopathy 9 (NEM9). Identifiers: MedGen C3810384, MONDO:0014326, OMIM 615731.

Allele frequency attached by ClinVar (database versions not stated): gnomAD exomes below 0.00001 and 0.00001; TOPMed below 0.00001; ExAC 0.00001; gnomAD 0.00001.

Submissions (2):

Ambry Genetics
Classification: Uncertain significance for Inborn genetic diseases. Last evaluated: 2024-12-02. Review status: criteria provided, single submitter. Criteria: Ambry Variant Classification Scheme 2023. Collection method: clinical testing. Allele origin: germline.

Labcorp Genetics (formerly Invitae), Labcorp
Classification: Uncertain significance for Nemaline myopathy 9. Last evaluated: 2022-11-06. Review status: criteria provided, single submitter. Criteria: Invitae Variant Classification Sherloc (09022015). Collection method: clinical testing. Allele origin: germline.
Comment: Advanced modeling of protein sequence and biophysical properties (such as structural, functional, and spatial information, amino acid conservation, physicochemical variation, residue mobility, and thermodynamic stability) performed at Invitae indicates that this missense variant is not expected to disrupt KLHL41 protein function. ClinVar contains an entry for this variant (Variation ID: 1431496). This variant has not been reported in the literature in individuals affected with KLHL41-related conditions. This variant is present in population databases (rs751688698, gnomAD 0.009%). This sequence change replaces lysine, which is basic and polar, with isoleucine, which is neutral and non-polar, at codon 70 of the KLHL41 protein (p.Lys70Ile). In summary, the available evidence is currently insufficient to determine the role of this variant in disease. Therefore, it has been classified as a Variant of Uncertain Significance.